The following is an entry in ClinVar:

NM_016333.4(SRRM2):c.387GAA[2] (p.Lys131del)

Genes: SRRM2 (serine/arginine repetitive matrix 2; plus strand), LOC126862261 (BRD4-independent group 4 enhancer GRCh37_chr16:2807529-2808728; plus strand). Cytogenetic location: 16p13.3.
Variant type: Microsatellite.
Coding change: c.387GAA[2] on transcript NM_016333.4 (MANE Select); two copies in a row of the 3-base unit GAA starting at c.387; the reference has three copies in a row; one copy, 3 bases deleted.
Protein change: p.Lys131del; deletes lysine 131.
Molecular consequence: inframe deletion.
Genome position (GRCh38, 1-based): chr16:2,757,823-2,757,825, GAA deleted; deleting any 3 consecutive bases within chr16:2,757,816-2,757,825 gives the same sequence; the position shown is the placement nearest the transcript's 3' end. VCF-style (leftmost placement, unchanged base first): chr16-2757815-GAGA-G. GRCh37 (hg19) VCF-style: chr16-2807816-GAGA-G.
Other names: short protein forms K131del.
Identifiers: ClinVar variation 4874972 (VCV004874972.2).
Genomic context (GRCh38, chr16:2,757,815, plus strand): 5'-CAGACTTTTGCCCTTCTTTTCTCTAGGGTCACGGAGACTCACCAGTTGGCAGAATTAAAT[GAGA>G]AGAAGAATGAAAGACTCCGTGCTGCCTTTGGCATCAGTGATTCTTACGTAGATGGCAGCT-3'

ClinVar aggregate classification (germline): Uncertain significance (1 of 4 stars; one submission).

Submission:

CeGaT Center for Human Genetics Tuebingen
Classification: Uncertain significance. Last evaluated: 2026-05-01. Review status: criteria provided, single submitter. Criteria: CeGaT Center For Human Genetics Tuebingen Variant Classification Criteria Version 2. Collection method: clinical testing. Allele origin: germline. Affected: yes. Observed: 1 variant allele.
Comment: SRRM2: PM2, PM4:Supporting